The following is an entry in ClinVar:

ClinVar aggregate classification (germline): Uncertain significance (1 of 4 stars; one submission).

Conditions:
Severe combined immunodeficiency due to DNA-PKcs deficiency. Also called: IMMUNODEFICIENCY 26 WITH NEUROLOGIC ABNORMALITIES; Immunodeficiency 26 with or without neurologic abnormalities. Identifiers: Orphanet 317425, MedGen C4014833, MONDO:0014423, OMIM 615966.

Submission:

Labcorp Genetics (formerly Invitae), Labcorp
Classification: Uncertain significance for Severe combined immunodeficiency due to DNA-PKcs deficiency. Last evaluated: 2022-10-24. Review status: criteria provided, single submitter. Criteria: Invitae Variant Classification Sherloc (09022015). Collection method: clinical testing. Allele origin: germline.
Comment: In summary, the available evidence is currently insufficient to determine the role of this variant in disease. Therefore, it has been classified as a Variant of Uncertain Significance. Advanced modeling of protein sequence and biophysical properties (such as structural, functional, and spatial information, amino acid conservation, physicochemical variation, residue mobility, and thermodynamic stability) performed at Invitae indicates that this missense variant is not expected to disrupt PRKDC protein function. ClinVar contains an entry for this variant (Variation ID: 1422889). This variant has not been reported in the literature in individuals affected with PRKDC-related conditions. This variant is not present in population databases (gnomAD no frequency). This sequence change replaces valine, which is neutral and non-polar, with leucine, which is neutral and non-polar, at codon 3514 of the PRKDC protein (p.Val3514Leu).

NM_006904.7(PRKDC):c.10540G>C (p.Val3514Leu)

Gene: PRKDC (protein kinase, DNA-activated, catalytic subunit; minus strand). Cytogenetic location: 8q11.21.
Variant type: single nucleotide variant.
Coding change: c.10540G>C on transcript NM_006904.7 (MANE Select); coding-DNA position 10540, G replaced by C.
Protein change: p.Val3514Leu; replaces valine 3514 with leucine.
Molecular consequence: missense variant.
Genome position (GRCh38, 1-based): chr8:47,794,420, C>G on the plus strand (G>C on the coding strand, the complement: PRKDC is on the minus strand). VCF-style: chr8-47794420-C-G. GRCh37 (hg19) VCF-style: chr8-48706981-C-G.
Other names: c.10540G>C, p.Val3514Leu (NM_001081640.2); short protein forms V3514L.
Identifiers: ClinVar variation 1422889 (VCV001422889.6), dbSNP rs1299379434, ClinGen allele CA371134070.
Genomic context (GRCh38, chr8:47,794,420, plus strand): 5'-TGAAGGGATAAACAATAGCCTGCGGGTAGTTATCAGTGATTTCTTCCACAGAGTGCTGAA[C>G]AGCAACGGCTTGGTCTTTGTCCAGTAAGGCCACCATGTGGCTGATCCAGCTGATGAACTG-3'
Protein context (NP_008835.5, residues 3504-3524): ALLDKDQAVA[Val3514Leu]QHSVEEITDN